The following is an entry in ClinVar:

ClinVar aggregate classification (germline): Uncertain significance. Review status: criteria provided, multiple submitters, no conflicts (2 of 4 stars). 4 submissions from 4 submitters: Uncertain significance (4). Last evaluated 2022-12-27.

Conditions:
Familial cancer of breast. Also called: Hereditary breast cancer; BREAST CANCER, FAMILIAL; hereditary breast carcinoma. Identifiers: Orphanet 227535, MedGen C0346153, MONDO:0016419, OMIM 114480. Disease mechanism: loss of function.
Hereditary cancer-predisposing syndrome. Also called: Hereditary neoplastic syndrome; Neoplastic Syndromes, Hereditary; Tumor predisposition; Hereditary Cancer Syndrome. Identifiers: Orphanet 140162, MedGen C0027672, MeSH D009386, MONDO:0015356.

Submissions (4):

Labcorp Genetics (formerly Invitae), Labcorp
Classification: Uncertain significance for Familial cancer of breast. Last evaluated: 2022-12-27. Review status: criteria provided, single submitter. Criteria: Invitae Variant Classification Sherloc (09022015). Collection method: clinical testing. Allele origin: germline.
Comment: In summary, the available evidence is currently insufficient to determine the role of this variant in disease. Therefore, it has been classified as a Variant of Uncertain Significance. Studies have shown that this missense change alters mRNA splicing and is expected to lead to the loss of protein expression (PMID: 34846068). Algorithms developed to predict the effect of missense changes on protein structure and function are either unavailable or do not agree on the potential impact of this missense change (SIFT: "Tolerated"; PolyPhen-2: "Probably Damaging"; Align-GVGD: "Class C0"). ClinVar contains an entry for this variant (Variation ID: 422035). This missense change has been observed in individual(s) with breast cancer (PMID: 34846068). This variant is not present in population databases (gnomAD no frequency). This sequence change replaces lysine, which is basic and polar, with arginine, which is basic and polar, at codon 16 of the PALB2 protein (p.Lys16Arg).

Ambry Genetics
Classification: Uncertain significance for Hereditary cancer-predisposing syndrome. Last evaluated: 2021-02-03. Review status: criteria provided, single submitter. Criteria: Ambry Variant Classification Scheme 2023. Collection method: clinical testing. Allele origin: germline.
Comment: The p.K16R variant (also known as c.47A>G), located in coding exon 1 of the PALB2 gene, results from an A to G substitution at nucleotide position 47. The lysine at codon 16 is replaced by arginine, an amino acid with highly similar properties. This amino acid position is highly conserved in available vertebrate species. In addition, this alteration is predicted to be tolerated by in silico analysis. Since supporting evidence is limited at this time, the clinical significance of this alteration remains unclear.

Color Diagnostics, LLC DBA Color Health
Classification: Uncertain significance for Hereditary cancer-predisposing syndrome. Last evaluated: 2018-08-11. Review status: criteria provided, single submitter. Criteria: ACMG Guidelines, 2015. Collection method: clinical testing. Allele origin: germline.

GeneDx
Classification: Uncertain significance. Last evaluated: 2016-08-18. Review status: criteria provided, single submitter. Criteria: GeneDx Variant Classification (06012015). Collection method: clinical testing. Allele origin: germline. Affected: yes.
Comment: This variant is denoted PALB2 c.47A>G at the cDNA level, p.Lys16Arg (K16R) at the protein level, and results in the change of a Lysine to an Arginine (AAG>AGG). This variant has not, to our knowledge, been published in the literature as pathogenic or benign. PALB2 Lys16Arg was not observed in approximately 6,500 individuals of European and African American ancestry in the NHLBI Exome Sequencing Project, suggesting it is not a common benign variant in these populations. Since Lysine and Arginine share similar properties, this is considered a conservative amino acid substitution. PALB2 Lys16Arg occurs at a position where amino acids with properties similar to Lysine are tolerated across species and is located in a DNA binding region, a region of interaction with BRCA1 and RAD51, as well as a region required for PALB2 oligomerization and important for focal concentration at DNA damage sites (UniProt). While protein-based in silico analyses are inconsistent regarding the effect this variant may have on protein structure and function, multiple splicing models predict this variant may destroy the nearby natural splice donor site and lead to abnormal splicing. However, in the absence of RNA or functional studies, the actual effect of this variant is unknown. Based on currently available evidence, it is unclear whether PALB2 Lys16Arg is pathogenic or benign. We consider it to be a variant of uncertain significance.

Literature cited by the submitters: PubMed 34846068 (cited by Labcorp Genetics (formerly Invitae), Labcorp).

NM_024675.4(PALB2):c.47A>G (p.Lys16Arg)

Gene: PALB2 (partner and localizer of BRCA2; minus strand). Cytogenetic location: 16p12.2.
Variant type: single nucleotide variant.
Coding change: c.47A>G on transcript NM_024675.4 (MANE Select); coding-DNA position 47, A replaced by G.
Protein change: p.Lys16Arg; replaces lysine 16 with arginine.
Molecular consequence: missense variant.
Genome position (GRCh38, 1-based): chr16:23,641,111, T>C on the plus strand (A>G on the coding strand, the complement: PALB2 is on the minus strand). VCF-style: chr16-23641111-T-C. GRCh37 (hg19) VCF-style: chr16-23652432-T-C.
Other names: short protein forms K16R.
Identifiers: ClinVar variation 422035 (VCV000422035.9), dbSNP rs1064795514, ClinGen allele CA16620165.